The following is an entry in ClinVar:

NM_000553.6(WRN):c.1708G>A (p.Val570Ile)

Gene: WRN (WRN RecQ like helicase; plus strand). Cytogenetic location: 8p12.
Variant type: single nucleotide variant.
Coding change: c.1708G>A on transcript NM_000553.6 (MANE Select); coding-DNA position 1708, G replaced by A.
Protein change: p.Val570Ile; replaces valine 570 with isoleucine.
Molecular consequence: missense variant.
Genome position (GRCh38, 1-based): chr8:31,090,520, G>A. VCF-style: chr8-31090520-G-A. GRCh37 (hg19) VCF-style: chr8-30948036-G-A.
Other names: short protein forms V570I.
Identifiers: ClinVar variation 2732931 (VCV002732931.3), dbSNP rs587778746, ClinGen allele CA370927097.

ClinVar aggregate classification (germline): Uncertain significance (1 of 4 stars; one submission).

Conditions:
Werner syndrome (WRN). Identifiers: Orphanet 902, MedGen C0043119, MONDO:0010196, OMIM 277700.

Submission:

Labcorp Genetics (formerly Invitae), Labcorp
Classification: Uncertain significance for Werner syndrome. Last evaluated: 2023-02-18. Review status: criteria provided, single submitter. Criteria: Invitae Variant Classification Sherloc (09022015). Collection method: clinical testing. Allele origin: germline.
Comment: This sequence change replaces valine, which is neutral and non-polar, with isoleucine, which is neutral and non-polar, at codon 570 of the WRN protein (p.Val570Ile). In summary, the available evidence is currently insufficient to determine the role of this variant in disease. Therefore, it has been classified as a Variant of Uncertain Significance. An algorithm developed to predict the effect of missense changes on protein structure and function (PolyPhen-2) suggests that this variant is likely to be disruptive. This variant has not been reported in the literature in individuals affected with WRN-related conditions. This variant is not present in population databases (gnomAD no frequency).